The following is an entry in ClinVar:

NM_000195.5(HPS1):c.1940+11G>A

Gene: HPS1 (HPS1 biogenesis of lysosomal organelles complex 3 subunit 1; minus strand). Cytogenetic location: 10q24.2.
Variant type: single nucleotide variant.
Coding change: c.1940+11G>A on transcript NM_000195.5 (MANE Select); 11 bases into the intron after coding-DNA position 1940, G replaced by A.
Molecular consequence: intron variant.
Genome position (GRCh38, 1-based): chr10:98,418,164, C>T on the plus strand (G>A on the coding strand, the complement: HPS1 is on the minus strand). VCF-style: chr10-98418164-C-T. GRCh37 (hg19) VCF-style: chr10-100177921-C-T.
Other names: c.1571+11G>A (NM_001322483.2, NM_001322484.2); c.1679+11G>A (NM_001322480.2, NM_001322481.2); c.1841+11G>A (NM_001322478.2, NM_001322479.2); c.1940+11G>A (NM_001322476.2, NM_001322477.2); c.1472+11G>A (NM_001322485.2); c.1580+11G>A (NM_001322482.2); c.968+11G>A (NM_001322489.2, NM_001311345.2, NM_001322487.2).
Identifiers: ClinVar variation 2739790 (VCV002739790.6), dbSNP rs755032185, ClinGen allele CA5638832.

ClinVar aggregate classification (germline): Likely benign. Review status: criteria provided, multiple submitters, no conflicts (2 of 4 stars). 3 submissions from 3 submitters: Likely benign (3). Last evaluated 2026-01-17.

Allele frequency attached by ClinVar (database versions not stated): gnomAD exomes 0.00002; ExAC 0.00003; TOPMed 0.00003; gnomAD 0.00004.
gnomAD v4.1: 40 of 1,580,436 alleles (0.0025%); highest among the groups gnomAD compares: Middle Eastern, 0.017%; no homozygotes.

Submissions (3):

Labcorp Genetics (formerly Invitae), Labcorp
Classification: Likely benign. Last evaluated: 2026-01-17. Review status: criteria provided, single submitter. Criteria: Invitae Variant Classification Sherloc (09022015). Collection method: clinical testing. Allele origin: germline.

Blueprint Genetics
Classification: Likely benign. Last evaluated: 2024-02-21. Review status: criteria provided, single submitter. Criteria: ACMG Guidelines, 2015. Collection method: clinical testing. Allele origin: germline.

Women's Health and Genetics/Laboratory Corporation of America, LabCorp
Classification: Likely benign. Last evaluated: 2024-02-20. Review status: criteria provided, single submitter. Criteria: LabCorp Variant Classification Summary - May 2015. Collection method: clinical testing. Allele origin: germline.
Comment: Variant summary: HPS1 c.1940+11G>A alters a non-conserved nucleotide located at a position not widely known to affect splicing. Consensus agreement among computation tools predict no significant impact on normal splicing. However, these predictions have yet to be confirmed by functional studies. The variant allele was found at a frequency of 1.2e-05 in 243826 control chromosomes (gnomAD). The available data on variant occurrences in the general population are insufficient to allow any conclusion about variant significance. To our knowledge, no occurrence of c.1940+11G>A in individuals affected with Hermansky-Pudlak Syndrome and no experimental evidence demonstrating its impact on protein function have been reported. ClinVar contains an entry for this variant (Variation ID: 2739790). Based on the evidence outlined above, the variant was classified as likely benign.